The following is an entry in ClinVar:

ClinVar aggregate classification (germline): Pathogenic/Likely pathogenic. Review status: criteria provided, multiple submitters, no conflicts (2 of 4 stars). 2 submissions from 2 submitters: Pathogenic (1); Likely pathogenic (1). Last evaluated 2024-07-25.

Conditions:
Hurler syndrome. Also called: MUCOPOLYSACCHARIDOSIS TYPE IH; Severe MPS I (Hurler Syndrome); Gargoylism, Hurler Syndrome. Identifiers: Orphanet 93473, MedGen C0086795, MONDO:0011758, OMIM 607014.
Mucopolysaccharidosis, MPS-I-H/S. Also called: Mucopolysaccharidosis type IH/S. Identifiers: Orphanet 93476, MedGen C0086431, MONDO:0011759, OMIM 607015.
Mucopolysaccharidosis, MPS-I-S. Also called: MUCOPOLYSACCHARIDOSIS TYPE IS; MPS V; MUCOPOLYSACCHARIDOSIS TYPE V; Scheie Syndrome. Identifiers: Orphanet 93474, MedGen C0026708, MONDO:0011760, OMIM 607016.
Mucopolysaccharidosis type 1. Also called: IDUA deficiency; MPS I; Mucopolysaccharidosis Type I. Identifiers: Orphanet 579, MedGen C0023786, MONDO:0001586.

Submissions (2):

Myriad Genetics, Inc.
Classification: Pathogenic for Mucopolysaccharidosis type 1. Last evaluated: 2024-07-25. Review status: criteria provided, single submitter. Criteria: Myriad Autosomal Dominant, Autosomal Recessive and X-Linked Classification Criteria (2023). Collection method: clinical testing. Allele origin: unknown.
Comment: NM_000203.3(IDUA):c.1377delG(L460Cfs*65) is expected to be pathogenic in the context of mucopolysaccharidosis type I. This variant is predicted to lead to an abnormal or absent protein product due to the creation of a premature termination codon in IDUA, a gene where loss-of-function variants are known to be pathogenic. Please note: this variant was assessed in the context of healthy population screening.

Fulgent Genetics
Classification: Likely pathogenic for Hurler syndrome; Mucopolysaccharidosis, MPS-I-H/S; Mucopolysaccharidosis, MPS-I-S. Last evaluated: 2024-06-03. Review status: criteria provided, single submitter. Criteria: ACMG Guidelines, 2015. Collection method: clinical testing. Allele origin: germline.

NM_000203.5(IDUA):c.1377del (p.Leu460fs)

Gene: IDUA (alpha-L-iduronidase; plus strand). Cytogenetic location: 4p16.3.
Variant type: Deletion.
Coding change: c.1377del on transcript NM_000203.5 (MANE Select); coding-DNA position 1377, one base deleted (G; older notation c.1377delG).
Protein change: p.Leu460fs; shifts the reading frame from leucine 460.
Molecular consequence: frameshift variant. On other transcripts: non-coding transcript variant (1).
Genome position (GRCh38, 1-based): chr4:1,002,919, G deleted; the last of 2 consecutive G bases (chr4:1,002,918-1,002,919); deleting either gives the same sequence. VCF-style (leftmost placement, unchanged base first): chr4-1002917-CG-C. GRCh37 (hg19) VCF-style: chr4-996705-CG-C.
Other names: c.981del, p.Leu328fs (NM_001363576.1); short protein forms L460fs, L328fs.
Identifiers: ClinVar variation 3591560 (VCV003591560.2).